The following is an entry in ClinVar:

ClinVar aggregate classification (germline): Benign/Likely benign. Review status: criteria provided, multiple submitters, no conflicts (2 of 4 stars). 2 submissions from 2 submitters: Benign (1); Likely benign (1). Last evaluated 2024-10-26.

Allele frequency attached by ClinVar (database versions not stated): ESP Exome Variant Server 0.00008; gnomAD 0.00028 and 0.00031; gnomAD exomes 0.00035 and 0.00041; 1000 Genomes Project 0.00040; TOPMed 0.00041; ExAC 0.00051; 1000 Genomes Project 30x 0.00062.
gnomAD v4.1: 642 of 1,612,656 alleles (0.04%); highest among the groups gnomAD compares: Middle Eastern, 0.05%; 2 homozygotes.

Submissions (2):

Labcorp Genetics (formerly Invitae), Labcorp
Classification: Benign. Last evaluated: 2024-10-26. Review status: criteria provided, single submitter. Criteria: Invitae Variant Classification Sherloc (09022015). Collection method: clinical testing. Allele origin: germline.

CeGaT Center for Human Genetics Tuebingen
Classification: Likely benign. Last evaluated: 2022-08-01. Review status: criteria provided, single submitter. Criteria: CeGaT Center For Human Genetics Tuebingen Variant Classification Criteria Version 2. Collection method: clinical testing. Allele origin: germline. Affected: yes. Observed: 2 variant alleles.
Comment: PDE2A: BP4, BP7

NM_002599.5(PDE2A):c.939C>T (p.Ser313=)

Gene: PDE2A (phosphodiesterase 2A; minus strand). Cytogenetic location: 11q13.4.
Variant type: single nucleotide variant.
Coding change: c.939C>T on transcript NM_002599.5 (MANE Select); coding-DNA position 939, C replaced by T.
Protein change: p.Ser313=; no amino-acid change (serine 313 retained).
Molecular consequence: synonymous variant.
Genome position (GRCh38, 1-based): chr11:72,589,175, G>A on the plus strand (C>T on the coding strand, the complement: PDE2A is on the minus strand). VCF-style: chr11-72589175-G-A. GRCh37 (hg19) VCF-style: chr11-72300219-G-A.
Other names: c.918C>T, p.Ser306= (NM_001143839.4); c.912C>T, p.Ser304= (NM_001146209.3); c.876C>T, p.Ser292= (NM_001243784.2).
Identifiers: ClinVar variation 1424027 (VCV001424027.28), dbSNP rs141849669, ClinGen allele CA6172373.